The following is an entry in ClinVar:

ClinVar aggregate classification (germline): Uncertain significance (1 of 4 stars; one submission).

Submission:

Labcorp Genetics (formerly Invitae), Labcorp
Classification: Uncertain significance. Last evaluated: 2021-07-22. Review status: criteria provided, single submitter. Criteria: Invitae Variant Classification Sherloc (09022015). Collection method: clinical testing. Allele origin: germline.
Comment: In summary, the available evidence is currently insufficient to determine the role of this variant in disease. Therefore, it has been classified as a Variant of Uncertain Significance. Algorithms developed to predict the effect of missense changes on protein structure and function (SIFT, PolyPhen-2, Align-GVGD) all suggest that this variant is likely to be tolerated. This variant has not been reported in the literature in individuals affected with SLC7A14-related conditions. This variant is not present in population databases (ExAC no frequency). This sequence change replaces serine with asparagine at codon 468 of the SLC7A14 protein (p.Ser468Asn). The serine residue is moderately conserved and there is a small physicochemical difference between serine and asparagine.

NM_020949.3(SLC7A14):c.1403G>A (p.Ser468Asn)

Genes: SLC7A14 (solute carrier family 7 member 14; minus strand), SLC7A14-AS1 (SLC7A14 antisense RNA 1; plus strand). Cytogenetic location: 3q26.2.
Variant type: single nucleotide variant.
Coding change: c.1403G>A on transcript NM_020949.3 (MANE Select); coding-DNA position 1403, G replaced by A.
Protein change: p.Ser468Asn; replaces serine 468 with asparagine.
Molecular consequence: missense variant.
Genome position (GRCh38, 1-based): chr3:170,480,879, C>T on the plus strand (G>A on the coding strand, the complement: SLC7A14 is on the minus strand). VCF-style: chr3-170480879-C-T. GRCh37 (hg19) VCF-style: chr3-170198668-C-T.
Other names: short protein forms S468N.
Identifiers: ClinVar variation 1439614 (VCV001439614.8), dbSNP rs2108268842, ClinGen allele CA355490387.